The following is an entry in ClinVar:

ClinVar aggregate classification (germline): Uncertain significance (1 of 4 stars; one submission).

gnomAD v4.1: 2 of 1,533,968 alleles (0.00013%); highest among the groups gnomAD compares: Non-Finnish European, 0.00018%; no homozygotes.

Submission:

Ambry Genetics
Classification: Uncertain significance. Last evaluated: 2025-08-31. Review status: criteria provided, single submitter. Criteria: Ambry Variant Classification Scheme 2023. Collection method: clinical testing. Allele origin: germline.
Comment: The p.D1783G variant (also known as c.5348A>G), located in coding exon 22 of the WNK2 gene, results from an A to G substitution at nucleotide position 5348. The aspartic acid at codon 1783 is replaced by glycine, an amino acid with similar properties. This amino acid position is conserved. In addition, the in silico prediction for this alteration is inconclusive. Based on the available evidence, the clinical significance of this variant remains unclear.

NM_006648.4(WNK2):c.5348A>G (p.Asp1783Gly)

Gene: WNK2 (WNK lysine deficient protein kinase 2; plus strand). Cytogenetic location: 9q22.31.
Variant type: single nucleotide variant.
Coding change: c.5348A>G on transcript NM_006648.4 (MANE Select); coding-DNA position 5348, A replaced by G.
Protein change: p.Asp1783Gly; replaces aspartic acid 1783 with glycine.
Molecular consequence: missense variant.
Genome position (GRCh38, 1-based): chr9:93,292,813, A>G. VCF-style: chr9-93292813-A-G. GRCh37 (hg19) VCF-style: chr9-96055095-A-G.
Other names: c.5459A>G, p.Asp1820Gly (NM_001282394.3); short protein forms D1783G, D1820G.
Identifiers: ClinVar variation 4201851 (VCV004201851.1).
Genomic context (GRCh38, chr9:93,292,813, plus strand): 5'-ACAGCCTGAGATACTCTGCCCCACCCGACGTCTACCTGGACGAGGCCCCCTCCAGCCCCG[A>G]CGTGAAGCTGGCAGTGCGGCGGGCGCAGACGGCCTCCTCCATCGAGGTCGGCGTGGGCGA-3'
Protein context (NP_006639.3, residues 1773-1793): VYLDEAPSSP[Asp1783Gly]VKLAVRRAQT